The following is an entry in ClinVar:

ClinVar aggregate classification (germline): Uncertain significance (1 of 4 stars; one submission).

Conditions:
Hereditary cancer-predisposing syndrome. Also called: Neoplastic Syndromes, Hereditary; Tumor predisposition; Hereditary neoplastic syndrome; Hereditary Cancer Syndrome. Identifiers: Orphanet 140162, MedGen C0027672, MeSH D009386, MONDO:0015356.

Submission:

Ambry Genetics
Classification: Uncertain significance for Hereditary cancer-predisposing syndrome. Last evaluated: 2026-07-07. Review status: criteria provided, single submitter. Criteria: Ambry Variant Classification Scheme 2023. Collection method: clinical testing. Allele origin: germline.
Comment: The p.V181A variant (also known as c.542T>C), located in coding exon 1 of the AXIN2 gene, results from a T to C substitution at nucleotide position 542. The valine at codon 181 is replaced by alanine, an amino acid with similar properties. This amino acid position is conserved. In addition, this alteration is predicted to be tolerated by in silico analysis. Based on the available evidence, the clinical significance of this variant remains unclear.

NM_004655.4(AXIN2):c.542T>C (p.Val181Ala)

Gene: AXIN2 (axin 2; minus strand). Cytogenetic location: 17q24.1.
Variant type: single nucleotide variant.
Coding change: c.542T>C on transcript NM_004655.4 (MANE Select); coding-DNA position 542, T replaced by C.
Protein change: p.Val181Ala; replaces valine 181 with alanine.
Molecular consequence: missense variant.
Genome position (GRCh38, 1-based): chr17:65,558,079, A>G on the plus strand (T>C on the coding strand, the complement: AXIN2 is on the minus strand). VCF-style: chr17-65558079-A-G. GRCh37 (hg19) VCF-style: chr17-63554197-A-G.
Other names: c.542T>C, p.Val181Ala (NM_001363813.1); short protein forms V181A.
Identifiers: ClinVar variation 5032637 (VCV005032637.1).